The following is an entry in ClinVar:

NM_020944.3(GBA2):c.17C>A (p.Pro6Gln)

Gene: GBA2 (glucosylceramidase beta 2; minus strand). Cytogenetic location: 9p13.3.
Variant type: single nucleotide variant.
Coding change: c.17C>A on transcript NM_020944.3 (MANE Select); coding-DNA position 17, C replaced by A.
Protein change: p.Pro6Gln; replaces proline 6 with glutamine.
Molecular consequence: missense variant.
Genome position (GRCh38, 1-based): chr9:35,748,688, G>T on the plus strand (C>A on the coding strand, the complement: GBA2 is on the minus strand). VCF-style: chr9-35748688-G-T. GRCh37 (hg19) VCF-style: chr9-35748685-G-T.
Other names: c.17C>A, p.Pro6Gln (NM_001330660.2); short protein forms P6Q.
Identifiers: ClinVar variation 864482 (VCV000864482.9), dbSNP rs1025071865, ClinGen allele CA192768170.
Genomic context (GRCh38, chr9:35,748,688, plus strand): 5'-GGATCCTCTTTGGCACAGCTTATCTGCTCCGAGGCTGGGACGCCGGTTCCCATGTTCCCT[G>T]GATCCTGGGTCCCCATGACCTCGATGGCGCCAAGTCCCGAGCCCTCGGATACTAAGTATC-3'
Protein context (NP_065995.1, residues 1-16): MGTQD[Pro6Gln]GNMGTGVPAS

ClinVar aggregate classification (germline): Uncertain significance (1 of 4 stars; one submission).

Conditions:
Spastic paraplegia. Identifiers: MedGen C0037772, HP:0001258.

Allele frequency attached by ClinVar (database versions not stated): gnomAD exomes below 0.00001; TOPMed 0.00002.
gnomAD v4.1: 14 of 1,568,572 alleles (0.00089%); highest among the groups gnomAD compares: Admixed American, 0.0036%; no homozygotes.

Submission:

Labcorp Genetics (formerly Invitae), Labcorp
Classification: Uncertain significance for Spastic paraplegia. Last evaluated: 2019-12-13. Review status: criteria provided, single submitter. Criteria: Invitae Variant Classification Sherloc (09022015). Collection method: clinical testing. Allele origin: germline.
Comment: This sequence change replaces proline with glutamine at codon 6 of the GBA2 protein (p.Pro6Gln). The proline residue is weakly conserved and there is a moderate physicochemical difference between proline and glutamine. This variant is not present in population databases (ExAC no frequency). This variant has not been reported in the literature in individuals with GBA2-related conditions. Algorithms developed to predict the effect of missense changes on protein structure and function are either unavailable or do not agree on the potential impact of this missense change (SIFT: "Deleterious"; PolyPhen-2: "Benign"; Align-GVGD: "Class C0"). In summary, the available evidence is currently insufficient to determine the role of this variant in disease. Therefore, it has been classified as a Variant of Uncertain Significance.